The following is an entry in ClinVar:

NM_015627.3(LDLRAP1):c.89-2A>G

Gene: LDLRAP1 (low density lipoprotein receptor adaptor protein 1; plus strand). Cytogenetic location: 1p36.11.
Variant type: single nucleotide variant.
Coding change: c.89-2A>G on transcript NM_015627.3 (MANE Select); the canonical splice acceptor site of the intron before coding-DNA position 89, A replaced by G.
Molecular consequence: splice acceptor variant.
Genome position (GRCh38, 1-based): chr1:25,553,920, A>G. VCF-style: chr1-25553920-A-G. GRCh37 (hg19) VCF-style: chr1-25880411-A-G.
Identifiers: ClinVar variation 1455119 (VCV001455119.9), dbSNP rs2044137351, ClinGen allele CA339077577.

ClinVar aggregate classification (germline): Pathogenic (1 of 4 stars; one submission).

Conditions:
Hypercholesterolemia, familial, 4 (FHCL4). Also called: HYPERCHOLESTEROLEMIA, AUTOSOMAL RECESSIVE, 1; HYPERCHOLESTEROLEMIA, AUTOSOMAL RECESSIVE, 2. Identifiers: Orphanet 391665, MedGen C1863512, MONDO:0011374, OMIM 603813.

Submission:

Labcorp Genetics (formerly Invitae), Labcorp
Classification: Pathogenic for Hypercholesterolemia, familial, 4. Last evaluated: 2021-11-26. Review status: criteria provided, single submitter. Criteria: Invitae Variant Classification Sherloc (09022015). Collection method: clinical testing. Allele origin: germline.
Comment: This sequence change affects an acceptor splice site in intron 1 of the LDLRAP1 gene. It is expected to disrupt RNA splicing. Variants that disrupt the donor or acceptor splice site typically lead to a loss of protein function (PMID: 16199547), and loss-of-function variants in LDLRAP1 are known to be pathogenic (PMID: 11326085, 12464675). For these reasons, this variant has been classified as Pathogenic. Algorithms developed to predict the effect of sequence changes on RNA splicing suggest that this variant may disrupt the consensus splice site. This variant is not present in population databases (gnomAD no frequency). Disruption of this splice site has been observed in individual(s) with hypercholesterolemia (PMID: 12016260, 15485476, 28965616). It has also been observed to segregate with disease in related individuals.

Literature cited by the submitters: PubMed 16199547; PubMed 11326085; PubMed 12464675; PubMed 12016260; PubMed 15485476; PubMed 28965616.